The following is an entry in ClinVar:

NM_003738.5(PTCH2):c.2435A>G (p.Asn812Ser)

Gene: PTCH2 (patched 2; minus strand). Cytogenetic location: 1p34.1.
Variant type: single nucleotide variant.
Coding change: c.2435A>G on transcript NM_003738.5 (MANE Select); coding-DNA position 2435, A replaced by G.
Protein change: p.Asn812Ser; replaces asparagine 812 with serine.
Molecular consequence: missense variant.
Genome position (GRCh38, 1-based): chr1:44,827,246, T>C on the plus strand (A>G on the coding strand, the complement: PTCH2 is on the minus strand). VCF-style: chr1-44827246-T-C. GRCh37 (hg19) VCF-style: chr1-45292918-T-C.
Other names: c.2435A>G, p.Asn812Ser (NM_001166292.2); short protein forms N812S.
Identifiers: ClinVar variation 1046738 (VCV001046738.9), dbSNP rs1218095612, ClinGen allele CA340095334.

ClinVar aggregate classification (germline): Uncertain significance (1 of 4 stars; one submission).

Conditions:
Gorlin syndrome. Also called: Nevoid Basal Cell Carcinoma Syndrome; Basal cell nevus syndrome. Identifiers: Orphanet 377, MedGen C0004779, MONDO:0007187.

Allele frequency attached by ClinVar (database versions not stated): gnomAD exomes below 0.00001.

Submission:

Labcorp Genetics (formerly Invitae), Labcorp
Classification: Uncertain significance for Gorlin syndrome. Last evaluated: 2023-07-07. Review status: criteria provided, single submitter. Criteria: Invitae Variant Classification Sherloc (09022015). Collection method: clinical testing. Allele origin: germline.
Comment: This sequence change replaces asparagine, which is neutral and polar, with serine, which is neutral and polar, at codon 812 of the PTCH2 protein (p.Asn812Ser). This variant is present in population databases (no rsID available, gnomAD no frequency). This variant has not been reported in the literature in individuals affected with PTCH2-related conditions. ClinVar contains an entry for this variant (Variation ID: 1046738). Advanced modeling of protein sequence and biophysical properties (such as structural, functional, and spatial information, amino acid conservation, physicochemical variation, residue mobility, and thermodynamic stability) performed at Invitae indicates that this missense variant is not expected to disrupt PTCH2 protein function. In summary, the available evidence is currently insufficient to determine the role of this variant in disease. Therefore, it has been classified as a Variant of Uncertain Significance.